The following is an entry in ClinVar:

ClinVar aggregate classification (germline): Uncertain significance (1 of 4 stars; one submission).

Conditions:
Bloom syndrome (BLM). Also called: Bloom-Torre-Machacek syndrome. Identifiers: Orphanet 125, MedGen C0005859, MONDO:0008876, OMIM 210900.

Allele frequency attached by ClinVar (database versions not stated): gnomAD 0.00001; TOPMed 0.00001.
gnomAD v4.1: 2 of 1,531,526 alleles (0.00013%); highest among the groups gnomAD compares: Non-Finnish European, 0.00017%; no homozygotes.

Submission:

Labcorp Genetics (formerly Invitae), Labcorp
Classification: Uncertain significance for Bloom syndrome. Last evaluated: 2025-07-31. Review status: criteria provided, single submitter. Criteria: Invitae Variant Classification Sherloc (09022015). Collection method: clinical testing. Allele origin: germline.
Comment: This sequence change replaces serine, which is neutral and polar, with leucine, which is neutral and non-polar, at codon 595 of the BLM protein (p.Ser595Leu). This variant is not present in population databases (gnomAD no frequency). This variant has not been reported in the literature in individuals affected with BLM-related conditions. ClinVar contains an entry for this variant (Variation ID: 951885). Invitae Evidence Modeling of protein sequence and biophysical properties (such as structural, functional, and spatial information, amino acid conservation, physicochemical variation, residue mobility, and thermodynamic stability) indicates that this missense variant is not expected to disrupt BLM protein function with a negative predictive value of 80%. In summary, the available evidence is currently insufficient to determine the role of this variant in disease. Therefore, it has been classified as a Variant of Uncertain Significance.

NM_000057.4(BLM):c.1784C>T (p.Ser595Leu)

Gene: BLM (BLM RecQ like helicase; plus strand). Cytogenetic location: 15q26.1.
Variant type: single nucleotide variant.
Coding change: c.1784C>T on transcript NM_000057.4 (MANE Select); coding-DNA position 1784, C replaced by T.
Protein change: p.Ser595Leu; replaces serine 595 with leucine.
Molecular consequence: missense variant.
Genome position (GRCh38, 1-based): chr15:90,761,157, C>T. VCF-style: chr15-90761157-C-T. GRCh37 (hg19) VCF-style: chr15-91304387-C-T.
Other names: c.1784C>T, p.Ser595Leu (NM_001287246.2, NM_001287247.2); c.659C>T, p.Ser220Leu (NM_001287248.2); short protein forms S595L, S220L.
Identifiers: ClinVar variation 951885 (VCV000951885.9), dbSNP rs138943954, ClinGen allele CA393843837.